The following is an entry in ClinVar:

ClinVar aggregate classification (germline): Conflicting classifications of pathogenicity. Review status: criteria provided, conflicting classifications (1 of 4 stars). 3 submissions from 3 submitters: Uncertain significance (1); Benign (1); Likely benign (1). Last evaluated 2024-04-23.

Conditions:
Ataxia-telangiectasia syndrome (AT). Also called: Ataxia-telangiectasia, complementation group D; AT, COMPLEMENTATION GROUP C; Ataxia-telangiectasia, complementation group E; Ataxia telangiectasia (A-T); LOUIS-BAR SYNDROME; Cerebello-oculocutaneous telangiectasia. Identifiers: Orphanet 100, MedGen C0004135, MONDO:0008840, OMIM 208900.
Familial cancer of breast. Also called: BREAST CANCER, FAMILIAL; Hereditary breast cancer; hereditary breast carcinoma. Identifiers: Orphanet 227535, MedGen C0346153, MONDO:0016419, OMIM 114480. Disease mechanism: loss of function.
Hereditary cancer-predisposing syndrome. Also called: Neoplastic Syndromes, Hereditary; Hereditary neoplastic syndrome; Hereditary Cancer Syndrome; Tumor predisposition. Identifiers: Orphanet 140162, MedGen C0027672, MeSH D009386, MONDO:0015356.

Submissions (3):

Myriad Genetics, Inc.
Classification: Benign for Familial cancer of breast. Last evaluated: 2024-04-23. Review status: criteria provided, single submitter. Criteria: Myriad Autosomal Dominant, Autosomal Recessive and X-Linked Classification Criteria (2023). Collection method: clinical testing. Allele origin: unknown.
Comment: This variant is considered benign. This variant is a silent/synonymous amino acid change and it is not expected to impact splicing.

Ambry Genetics
Classification: Likely benign for Hereditary cancer-predisposing syndrome. Last evaluated: 2020-03-16. Review status: criteria provided, single submitter. Criteria: Ambry Variant Classification Scheme 2023. Collection method: clinical testing. Allele origin: germline.

Illumina Laboratory Services, Illumina
Classification: Uncertain significance for Ataxia-telangiectasia syndrome. Last evaluated: 2018-01-13. Review status: criteria provided, single submitter. Criteria: ICSL Variant Classification Criteria 13 December 2019. Collection method: clinical testing. Allele origin: germline.

NM_000051.4(ATM):c.834C>G (p.Val278=)

Gene: ATM (ATM serine/threonine kinase; plus strand). Cytogenetic location: 11q22.3.
Variant type: single nucleotide variant.
Coding change: c.834C>G on transcript NM_000051.4 (MANE Select); coding-DNA position 834, C replaced by G.
Protein change: p.Val278=; no amino-acid change (valine 278 retained).
Molecular consequence: synonymous variant.
Genome position (GRCh38, 1-based): chr11:108,244,959, C>G. VCF-style: chr11-108244959-C-G. GRCh37 (hg19) VCF-style: chr11-108115686-C-G.
Other names: c.834C>G, p.Val278= (NM_001351834.2).
Identifiers: ClinVar variation 878675 (VCV000878675.7), dbSNP rs2079769316, ClinGen allele CA476744804.
Genomic context (GRCh38, chr11:108,244,959, plus strand): 5'-TCTTCCCACTTTGCTTTATATTTGGACTCAACATAGGCTTAATGATTCTTTAAAAGAAGT[C>G]ATTATTGAATTATTTCAACTGCAAATTTATATCCATCATCCGAAAGGAGCCAAAACCCAA-3'
Protein context (NP_000042.3, residues 268-288): QHRLNDSLKE[Val278=]IIELFQLQIY